The following is an entry in ClinVar:

ClinVar aggregate classification (germline): Uncertain significance (1 of 4 stars; one submission).

Allele frequency attached by ClinVar (database versions not stated): ExAC 0.00001; 1000 Genomes Project 30x 0.00016; 1000 Genomes Project 0.00020.
gnomAD v4.1: 4 of 1,613,196 alleles (0.00025%); highest among the groups gnomAD compares: Admixed American, 0.0033%; no homozygotes.

Submission:

Labcorp Genetics (formerly Invitae), Labcorp
Classification: Uncertain significance. Last evaluated: 2022-08-16. Review status: criteria provided, single submitter. Criteria: Invitae Variant Classification Sherloc (09022015). Collection method: clinical testing. Allele origin: germline.
Comment: In summary, the available evidence is currently insufficient to determine the role of this variant in disease. Therefore, it has been classified as a Variant of Uncertain Significance. Algorithms developed to predict the effect of missense changes on protein structure and function output the following: SIFT: "Tolerated"; PolyPhen-2: "Benign"; Align-GVGD: "Class C0". The isoleucine amino acid residue is found in multiple mammalian species, which suggests that this missense change does not adversely affect protein function. ClinVar contains an entry for this variant (Variation ID: 1358488). This variant has not been reported in the literature in individuals affected with SLC24A1-related conditions. This variant is present in population databases (rs201406843, gnomAD 0.006%). This sequence change replaces threonine, which is neutral and polar, with isoleucine, which is neutral and non-polar, at codon 666 of the SLC24A1 protein (p.Thr666Ile).

NM_004727.3(SLC24A1):c.1997C>T (p.Thr666Ile)

Gene: SLC24A1 (solute carrier family 24 member 1; plus strand). Cytogenetic location: 15q22.31.
Variant type: single nucleotide variant.
Coding change: c.1997C>T on transcript NM_004727.3 (MANE Select); coding-DNA position 1997, C replaced by T.
Protein change: p.Thr666Ile; replaces threonine 666 with isoleucine.
Molecular consequence: missense variant.
Genome position (GRCh38, 1-based): chr15:65,639,647, C>T. VCF-style: chr15-65639647-C-T. GRCh37 (hg19) VCF-style: chr15-65931985-C-T.
Other names: c.1997C>T, p.Thr666Ile (NM_001301031.1); c.1943C>T, p.Thr648Ile (NM_001301032.1, NM_001301033.2); short protein forms T666I, T648I.
Identifiers: ClinVar variation 1358488 (VCV001358488.6), dbSNP rs201406843, ClinGen allele CA7620053.
Genomic context (GRCh38, chr15:65,639,647, plus strand): 5'-TTGCTCAGCTCCCGTCCTTGCTGACCCGAGGGAGCAGCTCGACCTCTCTGCACAACAGCA[C>T]CATCCGCAGCACCATCTACCAGCTCATGCTCCACAGCCTGGACCCCCTGAGGGAAGGTAA-3'
Protein context (NP_004718.1, residues 656-676): GSSSTSLHNS[Thr666Ile]IRSTIYQLML